The following is an entry in ClinVar:

ClinVar aggregate classification (germline): Uncertain significance. Review status: criteria provided, multiple submitters, no conflicts (2 of 4 stars). 3 submissions from 3 submitters: Uncertain significance (2). 1 of the submissions does not count toward it. Last evaluated 2023-09-04.

Conditions:
Hearing loss, X-linked 6. Also called: Deafness, X-linked 6. Identifiers: Orphanet 90625, MedGen C3806737, MONDO:0010484, OMIM 300914.

Allele frequency attached by ClinVar (database versions not stated): gnomAD exomes 0.00001; TOPMed 0.00001.
gnomAD v4.1: 10 of 1,211,233 alleles (0.00083%); highest among the groups gnomAD compares: Middle Eastern, 0.046%; no homozygotes.

Submissions (3):

Labcorp Genetics (formerly Invitae), Labcorp
Classification: Uncertain significance. Last evaluated: 2023-09-04. Review status: criteria provided, single submitter. Criteria: Invitae Variant Classification Sherloc (09022015). Collection method: clinical testing. Allele origin: germline.
Comment: In summary, the available evidence is currently insufficient to determine the role of this variant in disease. Therefore, it has been classified as a Variant of Uncertain Significance. Advanced modeling of protein sequence and biophysical properties (such as structural, functional, and spatial information, amino acid conservation, physicochemical variation, residue mobility, and thermodynamic stability) has been performed at Invitae for this missense variant, however the output from this modeling did not meet the statistical confidence thresholds required to predict the impact of this variant on COL4A6 protein function. ClinVar contains an entry for this variant (Variation ID: 2512804). This variant has not been reported in the literature in individuals affected with COL4A6-related conditions. The frequency data for this variant in the population databases is considered unreliable, as metrics indicate poor data quality at this position in the gnomAD database. This sequence change replaces glycine, which is neutral and non-polar, with arginine, which is basic and polar, at codon 1485 of the COL4A6 protein (p.Gly1485Arg).

Ambry Genetics
Classification: Uncertain significance. Last evaluated: 2023-06-12. Review status: criteria provided, single submitter. Criteria: Ambry Variant Classification Scheme 2023. Collection method: clinical testing. Allele origin: germline.

Inheritance Genetic Center
Classification: Likely pathogenic for Hearing loss, X-linked 6. Last evaluated: 2024-05-21. Review status: no assertion criteria provided. Collection method: clinical testing. Allele origin: germline. Inheritance: X-linked recessive inheritance. Affected: yes. Observed: 1 hemizygote. Not counted in ClinVar's aggregate classification.

Literature cited by the submitters: PubMed 33840813 (cited by Inheritance Genetic Center); PubMed 23714752 (cited by Inheritance Genetic Center).

NM_033641.4(COL4A6):c.4450G>A (p.Gly1484Arg)

Gene: COL4A6 (collagen type IV alpha 6 chain; minus strand). Cytogenetic location: Xq22.3.
Variant type: single nucleotide variant.
Coding change: c.4450G>A on transcript NM_033641.4 (MANE Select); coding-DNA position 4450, G replaced by A.
Protein change: p.Gly1484Arg; replaces glycine 1484 with arginine.
Molecular consequence: missense variant.
Genome position (GRCh38, 1-based): chrX:108,160,538, C>T on the plus strand (G>A on the coding strand, the complement: COL4A6 is on the minus strand). VCF-style: chrX-108160538-C-T. GRCh37 (hg19) VCF-style: chrX-107403768-C-T.
Other names: c.4279G>A, p.Gly1427Arg (NM_001287760.2); c.4453G>A, p.Gly1485Arg (NM_001847.4); c.4501G>A, p.Gly1501Arg (NM_001287758.2); c.4378G>A, p.Gly1460Arg (NM_001287759.2); short protein forms G1460R, G1484R, G1485R, G1501R, G1427R.
Identifiers: ClinVar variation 2512804 (VCV002512804.7), dbSNP rs1467102896, ClinGen allele CA413850561.